The following is an entry in ClinVar:

NM_005592.4(MUSK):c.1556GAA[2] (p.Arg521del)

Gene: MUSK (muscle associated receptor tyrosine kinase; plus strand). Cytogenetic location: 9q31.3.
Variant type: Microsatellite.
Coding change: c.1556GAA[2] on transcript NM_005592.4 (MANE Select); two copies in a row of the 3-base unit GAA starting at c.1556; the reference has three copies in a row; one copy, 3 bases deleted; also written c.1562_1564del.
Protein change: p.Arg521del; deletes arginine 521.
Molecular consequence: inframe deletion.
Genome position (GRCh38, 1-based): chr9:110,784,992-110,784,994, GAA deleted; deleting any 3 consecutive bases within chr9:110,784,986-110,784,994 gives the same sequence; the position shown is the placement nearest the transcript's 3' end. VCF-style (leftmost placement, unchanged base first): chr9-110784985-CGAA-C. GRCh37 (hg19) VCF-style: chr9-113547265-CGAA-C.
Other names: c.1298GAA[2], p.Arg435del (NM_001166280.2); c.1268GAA[2], p.Arg425del (NM_001166281.2); c.296GAA[2], p.Arg101del (NM_001369398.1); c.1562_1564delGAA (NM_005592.3); c.1562_1564del (NM_005592.3); short protein forms R521del, R425del, R435del, R101del.
Identifiers: ClinVar variation 663836 (VCV000663836.5), dbSNP rs774582687, ClinGen allele CA5184389.

ClinVar aggregate classification (germline): Uncertain significance. Review status: criteria provided, multiple submitters, no conflicts (2 of 4 stars). 2 submissions from 2 submitters: Uncertain significance (2). Last evaluated 2026-03-25.

Conditions:
Fetal akinesia deformation sequence 1 (FADS1). Also called: Fetal akinesia sequence; Pena-Shokeir syndrome type I. Identifiers: Orphanet 994, MedGen C1276035, MONDO:0100101, OMIM 208150, HP:0001989.
Congenital myasthenic syndrome 9. Also called: Myasthenic syndrome, congenital, 9, associated with acetylcholine receptor deficiency. Identifiers: Orphanet 590, MedGen C4225368, MONDO:0014587, OMIM 616325.

Submissions (2):

GeneDx
Classification: Uncertain significance. Last evaluated: 2026-03-25. Review status: criteria provided, single submitter. Criteria: GeneDx Variant Classification Process June 2021. Collection method: clinical testing. Allele origin: germline.
Comment: In-frame deletion of 1 amino acid in a non-repeat region; In silico analysis supports a deleterious effect on protein structure/function; Has not been previously published as pathogenic or benign to our knowledge

Labcorp Genetics (formerly Invitae), Labcorp
Classification: Uncertain significance for Congenital myasthenic syndrome 9; Fetal akinesia deformation sequence 1. Last evaluated: 2022-03-12. Review status: criteria provided, single submitter. Criteria: Invitae Variant Classification Sherloc (09022015). Collection method: clinical testing. Allele origin: germline.
Comment: This variant, c.1562_1564del, results in the deletion of 1 amino acid(s) of the MUSK protein (p.Arg521del), but otherwise preserves the integrity of the reading frame. This variant is present in population databases (rs774582687, gnomAD 0.06%). This variant has not been reported in the literature in individuals affected with MUSK-related conditions. ClinVar contains an entry for this variant (Variation ID: 663836). Experimental studies and prediction algorithms are not available or were not evaluated, and the functional significance of this variant is currently unknown. In summary, the available evidence is currently insufficient to determine the role of this variant in disease. Therefore, it has been classified as a Variant of Uncertain Significance.